The following is an entry in ClinVar:

ClinVar aggregate classification (germline): Uncertain significance (1 of 4 stars; one submission).

Conditions:
Ataxia-telangiectasia syndrome (AT). Also called: LOUIS-BAR SYNDROME; AT, COMPLEMENTATION GROUP C; Ataxia-telangiectasia, complementation group E; Ataxia telangiectasia (A-T); ATAXIA-TELANGIECTASIA, COMPLEMENTATION GROUP A; ATAXIA-TELANGIECTASIA, FRESNO VARIANT. Identifiers: Orphanet 100, MedGen C0004135, MONDO:0008840, OMIM 208900.

Submission:

Labcorp Genetics (formerly Invitae), Labcorp
Classification: Uncertain significance for Ataxia-telangiectasia syndrome. Last evaluated: 2022-03-22. Review status: criteria provided, single submitter. Criteria: Invitae Variant Classification Sherloc (09022015). Collection method: clinical testing. Allele origin: germline.
Comment: In summary, the available evidence is currently insufficient to determine the role of this variant in disease. Therefore, it has been classified as a Variant of Uncertain Significance. Advanced modeling of protein sequence and biophysical properties (such as structural, functional, and spatial information, amino acid conservation, physicochemical variation, residue mobility, and thermodynamic stability) performed at Invitae indicates that this missense variant is not expected to disrupt ATM protein function. This variant has not been reported in the literature in individuals affected with ATM-related conditions. This variant is not present in population databases (gnomAD no frequency). This sequence change replaces aspartic acid, which is acidic and polar, with histidine, which is basic and polar, at codon 899 of the ATM protein (p.Asp899His).

NM_000051.4(ATM):c.2695G>C (p.Asp899His)

Gene: ATM (ATM serine/threonine kinase; plus strand). Cytogenetic location: 11q22.3.
Variant type: single nucleotide variant.
Coding change: c.2695G>C on transcript NM_000051.4 (MANE Select); coding-DNA position 2695, G replaced by C.
Protein change: p.Asp899His; replaces aspartic acid 899 with histidine.
Molecular consequence: missense variant.
Genome position (GRCh38, 1-based): chr11:108,268,466, G>C. VCF-style: chr11-108268466-G-C. GRCh37 (hg19) VCF-style: chr11-108139193-G-C.
Other names: c.2695G>C, p.Asp899His (NM_001351834.2); short protein forms D899H.
Identifiers: ClinVar variation 2045559 (VCV002045559.4), dbSNP rs2135524203, ClinGen allele CA382545202.